The following is an entry in ClinVar:

ClinVar aggregate classification (germline): Likely pathogenic. Review status: criteria provided, multiple submitters, no conflicts (2 of 4 stars). 2 submissions from 2 submitters: Likely pathogenic (2). Last evaluated 2025-11-24.

Conditions:
Glycogen storage disease IXa1. Also called: LIVER GLYCOGENOSIS, X-LINKED, TYPE I; GLYCOGEN STORAGE DISEASE VIII; GSD VIII; Glycogen storage disease 8. Identifiers: Orphanet 264580, MedGen C3694531, MONDO:0010598, OMIM 306000.

Submissions (2):

Clinical Genomics Laboratory, Washington University in St. Louis
Classification: Likely pathogenic for Glycogen storage disease IXa1. Last evaluated: 2025-11-24. Review status: criteria provided, single submitter. Criteria: ACMG Guidelines, 2015. Collection method: clinical testing. Allele origin: germline. Affected: yes.
Comment: The PHKA2 c.1325-2A>G variant, to our knowledge, has not been reported in the medical literature. This variant has been reported in the ClinVar database as a germline likely pathogenic variant by one submitter. This variant is absent from the general population (gnomAD v.4.1.0), indicating it is not a common variant. This variant occurs within the canonical splice acceptor site, which is predicted to cause skipping of the exon, leading to an in-frame transcript. Based on available information and the ACMG/AMP guidelines for variant interpretation (Richards S et al., PMID: 25741868), this variant is classified as likely pathogenic.

CeGaT Center for Human Genetics Tuebingen
Classification: Likely pathogenic. Last evaluated: 2020-03-01. Review status: criteria provided, single submitter. Criteria: CeGaT Center For Human Genetics Tuebingen Variant Classification Criteria Version 2. Collection method: clinical testing. Allele origin: germline. Affected: yes. Observed: 4 variant alleles.

NM_000292.3(PHKA2):c.1325-2A>G

Gene: PHKA2 (phosphorylase kinase regulatory subunit alpha 2; minus strand). Cytogenetic location: Xp22.13.
Variant type: single nucleotide variant.
Coding change: c.1325-2A>G on transcript NM_000292.3 (MANE Select); the canonical splice acceptor site of the intron before coding-DNA position 1325, A replaced by G.
Molecular consequence: splice acceptor variant.
Genome position (GRCh38, 1-based): chrX:18,926,589, T>C on the plus strand (A>G on the coding strand, the complement: PHKA2 is on the minus strand). VCF-style: chrX-18926589-T-C. GRCh37 (hg19) VCF-style: chrX-18944707-T-C.
Identifiers: ClinVar variation 624390 (VCV000624390.44), dbSNP rs1569310542, ClinGen allele CA412394048.